The following is an entry in ClinVar:

ClinVar aggregate classification (germline): Uncertain significance. Review status: criteria provided, multiple submitters, no conflicts (2 of 4 stars). 3 submissions from 3 submitters: Uncertain significance (2). 1 of the submissions does not count toward it. Last evaluated 2026-03-20.

Conditions:
Rubinstein-Taybi syndrome due to EP300 haploinsufficiency. Also called: EP300-Related Rubinstein-Taybi Syndrome; RUBINSTEIN-TAYBI SYNDROME 2. Identifiers: Orphanet 353284, Orphanet 783, MedGen C3150941, MONDO:0013364, OMIM 613684.
EP300-related disorder. Also called: EP300-related disorders; EP300-related condition.

Submissions (3):

GeneDx
Classification: Uncertain significance. Last evaluated: 2026-03-20. Review status: criteria provided, single submitter. Criteria: GeneDx Variant Classification Process June 2021. Collection method: clinical testing. Allele origin: germline.
Comment: Not observed at significant frequency in large population cohorts (gnomAD); In-frame deletion of 1 amino acid in a non-repeat region; In silico analysis supports a deleterious effect on protein structure/function; Has not been previously published as pathogenic or benign to our knowledge

Labcorp Genetics (formerly Invitae), Labcorp
Classification: Uncertain significance for Rubinstein-Taybi syndrome due to EP300 haploinsufficiency. Last evaluated: 2023-09-17. Review status: criteria provided, single submitter. Criteria: Invitae Variant Classification Sherloc (09022015). Collection method: clinical testing. Allele origin: germline.
Comment: In summary, the available evidence is currently insufficient to determine the role of this variant in disease. Therefore, it has been classified as a Variant of Uncertain Significance. Experimental studies and prediction algorithms are not available or were not evaluated, and the functional significance of this variant is currently unknown. This variant has not been reported in the literature in individuals affected with EP300-related conditions. This variant is not present in population databases (gnomAD no frequency). This variant, c.6145_6147del, results in the deletion of 1 amino acid(s) of the EP300 protein (p.Gln2049del), but otherwise preserves the integrity of the reading frame.

PreventionGenetics, part of Exact Sciences
Classification: Uncertain significance for EP300-related condition. Last evaluated: 2024-05-22. Review status: no assertion criteria provided. Collection method: clinical testing. Allele origin: germline. Not counted in ClinVar's aggregate classification.
Comment: The EP300 c.6145_6147delCAA variant is predicted to result in an in-frame deletion (p.Gln2049del). To our knowledge, this variant has not been reported in the literature or in a large population database, indicating this variant is rare. At this time, the clinical significance of this variant is uncertain due to the absence of conclusive functional and genetic evidence.

NM_001429.4(EP300):c.6142CAA[1] (p.Gln2049del)

Gene: EP300 (EP300 lysine acetyltransferase; plus strand). Cytogenetic location: 22q13.2.
Variant type: Microsatellite.
Coding change: c.6142CAA[1] on transcript NM_001429.4 (MANE Select); one copy of the 3-base unit CAA starting at c.6142; the reference has two copies in a row; one copy, 3 bases deleted; also written c.6145_6147del.
Protein change: p.Gln2049del; deletes glutamine 2049.
Molecular consequence: inframe deletion.
Genome position (GRCh38, 1-based): chr22:41,177,856-41,177,858, CAA deleted; deleting any 3 consecutive bases within chr22:41,177,853-41,177,858 gives the same sequence; the position shown is the placement nearest the transcript's 3' end. VCF-style (leftmost placement, unchanged base first): chr22-41177852-TCAA-T. GRCh37 (hg19) VCF-style: chr22-41573856-TCAA-T.
Other names: c.6145_6147del (NM_001429.3); c.6064CAA[1], p.Gln2023del (NM_001362843.2); c.6145_6147delCAA (NM_001429.3); short protein forms Q2023del, Q2049del.
Identifiers: ClinVar variation 2797063 (VCV002797063.5), dbSNP rs2517834165, ClinGen allele CA2656912231.
Genomic context (GRCh38, chr22:41,177,852, plus strand): 5'-GGCTCCACAACCAGGATTGGGCCAGGTAGGTATCAGCCCACTCAAACCAGGCACTGTGTC[TCAA>T]CAAGCCTTACAAAACCTTTTGCGGACTCTCAGGTCTCCCAGCTCTCCCCTGCAGCAGCAA-3'